The following is an entry in ClinVar:

NM_002900.3(RBP3):c.3661G>A (p.Glu1221Lys)

Gene: RBP3 (retinol binding protein 3; plus strand). Cytogenetic location: 10q11.22.
Variant type: single nucleotide variant.
Coding change: c.3661G>A on transcript NM_002900.3 (MANE Select); coding-DNA position 3661, G replaced by A.
Protein change: p.Glu1221Lys; replaces glutamic acid 1221 with lysine.
Molecular consequence: missense variant.
Genome position (GRCh38, 1-based): chr10:47,357,374, G>A. VCF-style: chr10-47357374-G-A. GRCh37 (hg19) VCF-style: chr10-48381988-C-T.
Other names: short protein forms E1221K.
Identifiers: ClinVar variation 1060378 (VCV001060378.10), dbSNP rs555568551, ClinGen allele CA376677847.

ClinVar aggregate classification (germline): Uncertain significance. Review status: criteria provided, single submitter (1 of 4 stars). 2 submissions from 2 submitters: Uncertain significance (1). 1 of the submissions does not count toward it. Last evaluated 2023-06-13.

Conditions:
Retinal dystrophy. Also called: Inherited retinal dystrophy. Identifiers: Orphanet 71862, MedGen C0854723, MeSH D058499, MONDO:0019118, HP:0000556.

gnomAD v4.1: 10 of 1,614,072 alleles (0.00062%); highest among the groups gnomAD compares: Admixed American, 0.0017%; no homozygotes.

Submissions (2):

Labcorp Genetics (formerly Invitae), Labcorp
Classification: Uncertain significance. Last evaluated: 2023-06-13. Review status: criteria provided, single submitter. Criteria: Invitae Variant Classification Sherloc (09022015). Collection method: clinical testing. Allele origin: germline.
Comment: In summary, the available evidence is currently insufficient to determine the role of this variant in disease. Therefore, it has been classified as a Variant of Uncertain Significance. An algorithm developed to predict the effect of missense changes on protein structure and function (PolyPhen-2) suggests that this variant is likely to be tolerated. ClinVar contains an entry for this variant (Variation ID: 1060378). This variant has not been reported in the literature in individuals affected with RBP3-related conditions. This variant is present in population databases (rs555568551, gnomAD 0.01%). This sequence change replaces glutamic acid, which is acidic and polar, with lysine, which is basic and polar, at codon 1221 of the RBP3 protein (p.Glu1221Lys).

Institute of Human Genetics, Univ. Regensburg, Univ. Regensburg
Classification: Uncertain significance for Retinal dystrophy. Last evaluated: 2022-01-01. Review status: no assertion criteria provided. Criteria: ACMG Guidelines, 2015. Collection method: clinical testing. Allele origin: germline. Affected: yes. Not counted in ClinVar's aggregate classification.